The following is an entry in ClinVar:

NM_130799.2(MEN1):c.-217T>A

Gene: MEN1 (menin 1; minus strand). Cytogenetic location: 11q13.1.
Variant type: single nucleotide variant.
Coding change: c.-217T>A on transcript NM_130799.2; 217 bases upstream of the start codon, T replaced by A.
Molecular consequence: 5 prime UTR variant (on NM_130803.3).
Genome position (GRCh38, 1-based): chr11:64,810,823, A>T on the plus strand (T>A on the coding strand, the complement: MEN1 is on the minus strand). VCF-style: chr11-64810823-A-T. GRCh37 (hg19) VCF-style: chr11-64578295-A-T.
Other names: c.-33T>A (NM_130803.3, NM_130804.3).
Identifiers: ClinVar variation 679378 (VCV000679378.3), dbSNP rs650277, ClinGen allele CA223917862.

ClinVar aggregate classification (germline): Benign (1 of 4 stars; one submission).

Allele frequency attached by ClinVar (database versions not stated): 1000 Genomes Project 0.01538; 1000 Genomes Project 30x 0.01640; gnomAD 0.01463 and 0.01572; TOPMed 0.01608.

Submission:

GeneDx
Classification: Benign. Last evaluated: 2018-06-12. Review status: criteria provided, single submitter. Criteria: GeneDx Variant Classification (06012015). Collection method: clinical testing. Allele origin: germline. Affected: yes.
Comment: This variant is considered likely benign or benign based on one or more of the following criteria: it is a conservative change, it occurs at a poorly conserved position in the protein, it is predicted to be benign by multiple in silico algorithms, and/or has population frequency not consistent with disease.